The following is an entry in ClinVar:

NM_006509.4(RELB):c.1198C>T (p.Arg400Cys)

Gene: RELB (RELB proto-oncogene, NF-kB subunit; plus strand). Cytogenetic location: 19q13.32.
Variant type: single nucleotide variant.
Coding change: c.1198C>T on transcript NM_006509.4 (MANE Select); coding-DNA position 1198, C replaced by T.
Protein change: p.Arg400Cys; replaces arginine 400 with cysteine.
Molecular consequence: missense variant.
Genome position (GRCh38, 1-based): chr19:45,032,740, C>T. VCF-style: chr19-45032740-C-T. GRCh37 (hg19) VCF-style: chr19-45535998-C-T.
Other names: short protein forms R400C.
Identifiers: ClinVar variation 1413785 (VCV001413785.6), dbSNP rs370561511, ClinGen allele CA9507763.

ClinVar aggregate classification (germline): Uncertain significance (1 of 4 stars; one submission).

Allele frequency attached by ClinVar (database versions not stated): gnomAD exomes 0.00003; ExAC 0.00004; ESP Exome Variant Server 0.00008; TOPMed 0.00015; gnomAD 0.00019.

Submission:

Labcorp Genetics (formerly Invitae), Labcorp
Classification: Uncertain significance. Last evaluated: 2025-12-30. Review status: criteria provided, single submitter. Criteria: Invitae Variant Classification Sherloc (09022015). Collection method: clinical testing. Allele origin: germline.
Comment: This sequence change replaces arginine, which is basic and polar, with cysteine, which is neutral and slightly polar, at codon 400 of the RELB protein (p.Arg400Cys). This variant is present in population databases (rs370561511, gnomAD 0.04%). This variant has not been reported in the literature in individuals affected with RELB-related conditions. ClinVar contains an entry for this variant (Variation ID: 1413785). An algorithm developed to predict the effect of missense changes on protein structure and function (PolyPhen-2) suggests that this variant is likely to be disruptive. In summary, the available evidence is currently insufficient to determine the role of this variant in disease. Therefore, it has been classified as a Variant of Uncertain Significance.